The following is an entry in ClinVar:

NM_001035.3(RYR2):c.6082C>T (p.Arg2028Cys)

Gene: RYR2 (ryanodine receptor 2; plus strand). Cytogenetic location: 1q43.
Variant type: single nucleotide variant.
Coding change: c.6082C>T on transcript NM_001035.3 (MANE Select); coding-DNA position 6082, C replaced by T.
Protein change: p.Arg2028Cys; replaces arginine 2028 with cysteine.
Molecular consequence: missense variant.
Genome position (GRCh38, 1-based): chr1:237,625,720, C>T. VCF-style: chr1-237625720-C-T. GRCh37 (hg19) VCF-style: chr1-237789020-C-T.
Other names: short protein forms R2028C.
Identifiers: ClinVar variation 1810624 (VCV001810624.3), dbSNP rs767787774, ClinGen allele CA39838086.
Genomic context (GRCh38, chr1:237,625,720, plus strand): 5'-GGAATTGAGCTGGATGAAGATGGGTCTCTGGATGGAAACAGTGATTTAACAATTAGAGGG[C>T]GTCTGCTATCCCTGGTAGAAAAGGTGACATATCTGAAGAAGAAGCAAGCAGAAAAACCAG-3'
Protein context (NP_001026.2, residues 2018-2038): DGNSDLTIRG[Arg2028Cys]LLSLVEKVTY

ClinVar aggregate classification (germline): Conflicting classifications of pathogenicity. Review status: criteria provided, conflicting classifications (1 of 4 stars). 2 submissions from 2 submitters: Uncertain significance (1); Likely benign (1). Last evaluated 2024-04-09.

Conditions:
Catecholaminergic polymorphic ventricular tachycardia 1. Also called: RYR2-Related Catecholaminergic Polymorphic Ventricular Tachycardia; VENTRICULAR TACHYCARDIA, STRESS-INDUCED POLYMORPHIC 1; VENTRICULAR TACHYCARDIA, CATECHOLAMINERGIC POLYMORPHIC, 1, WITH OR WITHOUT ATRIAL DYSFUNCTION AND/OR DILATED CARDIOMYOPATHY. Identifiers: Orphanet 3286, MedGen C1631597, MONDO:0011484, OMIM 604772.

Allele frequency attached by ClinVar (database versions not stated): TOPMed below 0.00001; gnomAD exomes 0.00001.
gnomAD v4.1: 16 of 1,613,536 alleles (0.00099%); highest among the groups gnomAD compares: South Asian, 0.0022%; no homozygotes.

Submissions (2):

Labcorp Genetics (formerly Invitae), Labcorp
Classification: Likely benign for Catecholaminergic polymorphic ventricular tachycardia 1. Last evaluated: 2024-04-09. Review status: criteria provided, single submitter. Criteria: Invitae Variant Classification Sherloc (09022015). Collection method: clinical testing. Allele origin: germline.

GeneDx
Classification: Uncertain significance. Last evaluated: 2022-07-06. Review status: criteria provided, single submitter. Criteria: GeneDx Variant Classification Process June 2021. Collection method: clinical testing. Allele origin: germline. Affected: yes.
Comment: Not located in one of the three hot-spot regions of the RYR2 gene, where the majority of pathogenic missense variants occur (Medeiros-Domingo et al., 2009); In silico analysis supports that this missense variant has a deleterious effect on protein structure/function; Not observed at significant frequency in large population cohorts (gnomAD); Has not been previously published as pathogenic or benign to our knowledge; This variant is associated with the following publications: (PMID: 19926015)